The following is an entry in ClinVar:

ClinVar aggregate classification (germline): Uncertain significance (1 of 4 stars; one submission).

Conditions:
Cowden syndrome 6 (CWS6). Identifiers: Orphanet 201, MedGen C3554519, MONDO:0014048, OMIM 615109.

Submission:

Labcorp Genetics (formerly Invitae), Labcorp
Classification: Uncertain significance for Cowden syndrome 6. Last evaluated: 2021-12-17. Review status: criteria provided, single submitter. Criteria: Invitae Variant Classification Sherloc (09022015). Collection method: clinical testing. Allele origin: germline.
Comment: In summary, the available evidence is currently insufficient to determine the role of this variant in disease. Therefore, it has been classified as a Variant of Uncertain Significance. Experimental studies and prediction algorithms are not available or were not evaluated, and the functional significance of this variant is currently unknown. This variant has not been reported in the literature in individuals affected with AKT1-related conditions. This variant is not present in population databases (gnomAD no frequency). This variant, c.346_351dup, results in the insertion of 2 amino acid(s) of the AKT1 protein (p.Glu116_Glu117dup), but otherwise preserves the integrity of the reading frame.

NM_001382430.1(AKT1):c.340GAG[6] (p.Glu117_Met118insGluGlu)

Gene: AKT1 (AKT serine/threonine kinase 1; minus strand). Cytogenetic location: 14q32.33.
Variant type: Microsatellite.
Coding change: c.340GAG[6] on transcript NM_001382430.1 (MANE Select); six copies in a row of the 3-base unit GAG starting at c.340; the reference has four copies in a row; two copies, 6 bases duplicated.
Protein change: p.Glu117_Met118insGluGlu.
Molecular consequence: inframe insertion.
Genome position (GRCh38, 1-based): chr14:104,775,736-104,775,741, CTCCTC duplicated on the plus strand (GAGGAG on the coding strand, the reverse complement: AKT1 is on the minus strand); duplicating any 6 consecutive bases within chr14:104,775,736-104,775,749 gives the same sequence; the position shown is the placement nearest the transcript's 3' end. VCF-style (leftmost placement, unchanged base first): chr14-104775735-T-TCTCCTC. GRCh37 (hg19) VCF-style: chr14-105242072-T-TCTCCTC.
Other names: c.340GAG[6], p.Glu117_Met118insGluGlu (NM_001014431.2, NM_001014432.2, NM_001382431.1 and 3 more transcripts).
Identifiers: ClinVar variation 2081771 (VCV002081771.4), dbSNP rs768025881, ClinGen allele CA2580612795.